The following is an entry in ClinVar:

ClinVar aggregate classification (germline): Conflicting classifications of pathogenicity. Review status: criteria provided, conflicting classifications (1 of 4 stars). 7 submissions from 7 submitters: Uncertain significance (5); Likely benign (1). 1 of the submissions does not count toward it. Last evaluated 2026-05-15.

Conditions:
Familial cancer of breast. Also called: hereditary breast carcinoma; Hereditary breast cancer; BREAST CANCER, FAMILIAL. Identifiers: Orphanet 227535, MedGen C0346153, MONDO:0016419, OMIM 114480. Disease mechanism: loss of function.
Hereditary cancer-predisposing syndrome. Also called: Tumor predisposition; Hereditary neoplastic syndrome; Neoplastic Syndromes, Hereditary; Hereditary Cancer Syndrome. Identifiers: Orphanet 140162, MedGen C0027672, MeSH D009386, MONDO:0015356.
Ataxia-telangiectasia syndrome (AT). Also called: Cerebello-oculocutaneous telangiectasia; Immunodeficiency with ataxia telangiectasia; ATAXIA-TELANGIECTASIA, COMPLEMENTATION GROUP A; ATAXIA-TELANGIECTASIA, FRESNO VARIANT; Ataxia-telangiectasia; Ataxia telangiectasia (A-T). Identifiers: Orphanet 100, MedGen C0004135, MONDO:0008840, OMIM 208900.

Allele frequency attached by ClinVar (database versions not stated): gnomAD exomes below 0.00001.
gnomAD v4.1: 1 of 1,612,034 alleles (0.000062%); highest among the groups gnomAD compares: Non-Finnish European, 0.000085%; no homozygotes.

Submissions (7):

Women's Health and Genetics/Laboratory Corporation of America, LabCorp
Classification: Uncertain significance. Last evaluated: 2026-05-15. Review status: criteria provided, single submitter. Criteria: LabCorp Variant Classification Summary - May 2015. Collection method: clinical testing. Allele origin: germline.

Labcorp Genetics (formerly Invitae), Labcorp
Classification: Uncertain significance for Ataxia-telangiectasia syndrome. Last evaluated: 2025-01-23. Review status: criteria provided, single submitter. Criteria: Invitae Variant Classification Sherloc (09022015). Collection method: clinical testing. Allele origin: germline.
Comment: This sequence change replaces threonine, which is neutral and polar, with serine, which is neutral and polar, at codon 1029 of the ATM protein (p.Thr1029Ser). This variant is not present in population databases (gnomAD no frequency). This variant has not been reported in the literature in individuals affected with ATM-related conditions. ClinVar contains an entry for this variant (Variation ID: 181938). Invitae Evidence Modeling of protein sequence and biophysical properties (such as structural, functional, and spatial information, amino acid conservation, physicochemical variation, residue mobility, and thermodynamic stability) indicates that this missense variant is not expected to disrupt ATM protein function with a negative predictive value of 95%. In summary, the available evidence is currently insufficient to determine the role of this variant in disease. Therefore, it has been classified as a Variant of Uncertain Significance.

Ambry Genetics
Classification: Uncertain significance for Hereditary cancer-predisposing syndrome. Last evaluated: 2024-11-05. Review status: criteria provided, single submitter. Criteria: Ambry Variant Classification Scheme 2023. Collection method: clinical testing. Allele origin: germline.
Comment: The p.T1029S variant (also known as c.3085A>T), located in coding exon 20 of the ATM gene, results from an A to T substitution at nucleotide position 3085. The threonine at codon 1029 is replaced by serine, an amino acid with similar properties. This amino acid position is not well conserved in available vertebrate species. In addition, this alteration is predicted to be tolerated by in silico analysis. Since supporting evidence is limited at this time, the clinical significance of this alteration remains unclear.

Color Diagnostics, LLC DBA Color Health
Classification: Likely benign for Hereditary cancer-predisposing syndrome. Last evaluated: 2024-09-18. Review status: criteria provided, single submitter. Criteria: ACMG Guidelines, 2015. Collection method: clinical testing. Allele origin: germline.

Baylor Genetics
Classification: Uncertain significance for Familial cancer of breast. Last evaluated: 2023-12-12. Review status: criteria provided, single submitter. Criteria: ACMG Guidelines, 2015. Collection method: clinical testing. Allele origin: unknown.

GeneDx
Classification: Uncertain significance. Last evaluated: 2016-08-03. Review status: criteria provided, single submitter. Criteria: GeneDx Variant Classification (06012015). Collection method: clinical testing. Allele origin: germline. Affected: yes.
Comment: This variant is denoted ATM c.3085A>T at the cDNA level, p.Thr1029Ser (T1029S) at the protein level, and results in the change of a Threonine to a Serine (ACA>TCA). This variant has not, to our knowledge, been published in the literature as pathogenic or benign. ATM Thr1029Ser was not observed in approximately 6,500 individuals of European and African American ancestry in the NHLBI Exome Sequencing Project, suggesting it is not a common benign variant in these populations. Since Threonine and Serine share similar properties, this is considered a conservative amino acid substitution. ATM Thr1029Ser occurs at a position that is not conserved and is located in the region of interaction with beta-adaptin (Tavtigian 2009). In silico analyses predict that this variant is unlikely to alter protein structure or function. Based on currently available evidence, it is unclear whether ATM Thr1029Ser is a pathogenic or benign variant. We consider it to be a variant of uncertain significance.

Natera, Inc.
Classification: Uncertain significance for Ataxia-telangiectasia. Last evaluated: 2020-12-04. Review status: no assertion criteria provided. Collection method: clinical testing. Allele origin: germline. Not counted in ClinVar's aggregate classification.

NM_000051.4(ATM):c.3085A>T (p.Thr1029Ser)

Gene: ATM (ATM serine/threonine kinase; plus strand). Cytogenetic location: 11q22.3.
Variant type: single nucleotide variant.
Coding change: c.3085A>T on transcript NM_000051.4 (MANE Select); coding-DNA position 3085, A replaced by T.
Protein change: p.Thr1029Ser; replaces threonine 1029 with serine.
Molecular consequence: missense variant.
Genome position (GRCh38, 1-based): chr11:108,272,539, A>T. VCF-style: chr11-108272539-A-T. GRCh37 (hg19) VCF-style: chr11-108143266-A-T.
Other names: p.T1029S:ACA>TCA; c.3085A>T, p.Thr1029Ser (NM_001351834.2); short protein forms T1029S.
Identifiers: ClinVar variation 181938 (VCV000181938.24), dbSNP rs730881355, ClinGen allele CA298194.
Genomic context (GRCh38, chr11:108,272,539, plus strand): 5'-GAGTGCTTTTATCAGAATGATTATTTAACTTTGGAAAACTTACTTGATTTCAGGCATCTA[A>T]CAAAGGAGAGGAAATATATATTCTCTGTAAGAATGGCCCTAGTAAATTGCCTTAAAACTT-3'
Protein context (NP_000042.3, residues 1019-1039): LTVIGAFWHL[Thr1029Ser]KERKYIFSVR